The following is an entry in ClinVar:

NM_016580.4(PCDH12):c.191_192dup (p.Ala65fs)

Genes: PCDH12 (protocadherin 12; minus strand), RNF14 (ring finger protein 14; plus strand). Cytogenetic location: 5q31.3.
Variant type: Duplication.
Coding change: c.191_192dup on transcript NM_016580.4 (MANE Select); coding-DNA positions 191 to 192, 2 bases duplicated (CT; older notation c.191_192dupCT).
Protein change: p.Ala65fs; shifts the reading frame from alanine 65.
Molecular consequence: frameshift variant.
Genome position (GRCh38, 1-based): chr5:141,957,660-141,957,661, AG duplicated on the plus strand (CT on the coding strand, the reverse complement: PCDH12 is on the minus strand). VCF-style (leftmost placement, unchanged base first): chr5-141957659-C-CAG. GRCh37 (hg19) VCF-style: chr5-141337224-C-CAG.
Other names: short protein forms A65fs.
Identifiers: ClinVar variation 2124338 (VCV002124338.4), dbSNP rs2532559070, ClinGen allele CA2580073003.

ClinVar aggregate classification (germline): Pathogenic (1 of 4 stars; one submission).

Submission:

Labcorp Genetics (formerly Invitae), Labcorp
Classification: Pathogenic. Last evaluated: 2022-04-30. Review status: criteria provided, single submitter. Criteria: Invitae Variant Classification Sherloc (09022015). Collection method: clinical testing. Allele origin: germline.
Comment: This sequence change creates a premature translational stop signal (p.Ala65Leufs*55) in the PCDH12 gene. It is expected to result in an absent or disrupted protein product. Loss-of-function variants in PCDH12 are known to be pathogenic (PMID: 27164683, 29556033). This variant is not present in population databases (gnomAD no frequency). For these reasons, this variant has been classified as Pathogenic. This variant has not been reported in the literature in individuals affected with PCDH12-related conditions.

Literature cited by the submitters: PubMed 27164683; PubMed 29556033.